The following is an entry in ClinVar:

ClinVar aggregate classification (germline): Likely benign (1 of 4 stars; one submission).

Conditions:
KSR2-related disorder. Also called: KSR2-related condition.

Submission:

PreventionGenetics, part of Exact Sciences
Classification: Likely benign for KSR2-related condition. Last evaluated: 2025-02-28. Review status: criteria provided, single submitter. Criteria: ACMG Guidelines, 2015. Collection method: clinical testing. Allele origin: germline.
Comment: This variant is classified as likely benign based on ACMG/AMP sequence variant interpretation guidelines (Richards et al. 2015 PMID: 25741868, with internal and published modifications).

NM_173598.6(KSR2):c.2817T>C (p.Ser939=)

Gene: KSR2 (kinase suppressor of ras 2; minus strand). Cytogenetic location: 12q24.22.
Variant type: single nucleotide variant.
Coding change: c.2817T>C on transcript NM_173598.6 (MANE Select); coding-DNA position 2817, T replaced by C.
Protein change: p.Ser939=; no amino-acid change (serine 939 retained).
Molecular consequence: synonymous variant.
Genome position (GRCh38, 1-based): chr12:117,469,691, A>G on the plus strand (T>C on the coding strand, the complement: KSR2 is on the minus strand). VCF-style: chr12-117469691-A-G. GRCh37 (hg19) VCF-style: chr12-117907496-A-G.
Identifiers: ClinVar variation 4989901 (VCV004989901.1).